The following is an entry in ClinVar:

NM_021922.3(FANCE):c.1528C>G (p.Leu510Val)

Gene: FANCE (FA complementation group E; plus strand). Cytogenetic location: 6p21.31.
Variant type: single nucleotide variant.
Coding change: c.1528C>G on transcript NM_021922.3 (MANE Select); coding-DNA position 1528, C replaced by G.
Protein change: p.Leu510Val; replaces leucine 510 with valine.
Molecular consequence: missense variant. On other transcripts: synonymous variant (1).
Genome position (GRCh38, 1-based): chr6:35,466,262, C>G. VCF-style: chr6-35466262-C-G. GRCh37 (hg19) VCF-style: chr6-35434039-C-G.
Other names: c.1335C>G, p.Gly445= (NM_001410876.1); short protein forms L510V.
Identifiers: ClinVar variation 2156271 (VCV002156271.4), dbSNP rs1767832073, ClinGen allele CA363778525.

ClinVar aggregate classification (germline): Uncertain significance (1 of 4 stars; one submission).

Conditions:
Fanconi anemia complementation group E (FANCE). Also called: FANCE-Related Fanconi Anemia. Identifiers: Orphanet 84, MedGen C3160739, MONDO:0010953, OMIM 600901.

Allele frequency attached by ClinVar (database versions not stated): gnomAD exomes below 0.00001; TOPMed below 0.00001.

Submission:

Labcorp Genetics (formerly Invitae), Labcorp
Classification: Uncertain significance for Fanconi anemia complementation group E. Last evaluated: 2023-10-13. Review status: criteria provided, single submitter. Criteria: Invitae Variant Classification Sherloc (09022015). Collection method: clinical testing. Allele origin: germline.
Comment: This sequence change replaces leucine, which is neutral and non-polar, with valine, which is neutral and non-polar, at codon 510 of the FANCE protein (p.Leu510Val). This variant is not present in population databases (gnomAD no frequency). This variant has not been reported in the literature in individuals affected with FANCE-related conditions. ClinVar contains an entry for this variant (Variation ID: 2156271). Advanced modeling of protein sequence and biophysical properties (such as structural, functional, and spatial information, amino acid conservation, physicochemical variation, residue mobility, and thermodynamic stability) performed at Invitae indicates that this missense variant is not expected to disrupt FANCE protein function. In summary, the available evidence is currently insufficient to determine the role of this variant in disease. Therefore, it has been classified as a Variant of Uncertain Significance.